The following is an entry in ClinVar:

NM_001540.5(HSPB1):c.236G>A (p.Arg79Gln)

Gene: HSPB1 (heat shock protein family B (small) member 1; plus strand). Cytogenetic location: 7q11.23.
Variant type: single nucleotide variant.
Coding change: c.236G>A on transcript NM_001540.5 (MANE Select); coding-DNA position 236, G replaced by A.
Protein change: p.Arg79Gln; replaces arginine 79 with glutamine.
Molecular consequence: missense variant.
Genome position (GRCh38, 1-based): chr7:76,302,948, G>A. VCF-style: chr7-76302948-G-A. GRCh37 (hg19) VCF-style: chr7-75932265-G-A.
Other names: short protein forms R79Q.
Identifiers: ClinVar variation 937444 (VCV000937444.7), dbSNP rs926257693, ClinGen allele CA160899424.
Genomic context (GRCh38, chr7:76,302,948, plus strand): 5'-CCCCCGCCGCCATCGAGAGCCCCGCAGTGGCCGCGCCCGCCTACAGCCGCGCGCTCAGCC[G>A]GCAACTCAGCAGCGGGGTCTCGGAGATCCGGCACACTGCGGACCGCTGGCGCGTGTCCCT-3'
Protein context (NP_001531.1, residues 69-89): AAPAYSRALS[Arg79Gln]QLSSGVSEIR

ClinVar aggregate classification (germline): Uncertain significance (1 of 4 stars; one submission).

Conditions:
Charcot-Marie-Tooth disease axonal type 2F (CMT2F). Also called: CHARCOT-MARIE-TOOTH DISEASE, NEURONAL, TYPE 2F; Charcot-Marie-Tooth Neuropathy Type 2F. Identifiers: Orphanet 99940, MedGen C1847823, MONDO:0011687, OMIM 606595.

Allele frequency attached by ClinVar (database versions not stated): gnomAD 0.00001; TOPMed 0.00001.
gnomAD v4.1: 13 of 1,544,860 alleles (0.00084%); highest among the groups gnomAD compares: Non-Finnish European, 0.001%; no homozygotes.

Submission:

Labcorp Genetics (formerly Invitae), Labcorp
Classification: Uncertain significance for Charcot-Marie-Tooth disease axonal type 2F. Last evaluated: 2024-12-16. Review status: criteria provided, single submitter. Criteria: Invitae Variant Classification Sherloc (09022015). Collection method: clinical testing. Allele origin: germline.
Comment: This sequence change replaces arginine, which is basic and polar, with glutamine, which is neutral and polar, at codon 79 of the HSPB1 protein (p.Arg79Gln). This variant is not present in population databases (gnomAD no frequency). This variant has not been reported in the literature in individuals affected with HSPB1-related conditions. ClinVar contains an entry for this variant (Variation ID: 937444). Invitae Evidence Modeling of protein sequence and biophysical properties (such as structural, functional, and spatial information, amino acid conservation, physicochemical variation, residue mobility, and thermodynamic stability) has been performed for this missense variant. However, the output from this modeling did not meet the statistical confidence thresholds required to predict the impact of this variant on HSPB1 protein function. In summary, the available evidence is currently insufficient to determine the role of this variant in disease. Therefore, it has been classified as a Variant of Uncertain Significance.